The following is an entry in ClinVar:

NM_001165963.4(SCN1A):c.656G>C (p.Arg219Thr)

Gene: SCN1A (sodium voltage-gated channel alpha subunit 1; minus strand). Cytogenetic location: 2q24.3.
Variant type: single nucleotide variant.
Coding change: c.656G>C on transcript NM_001165963.4 (MANE Select); coding-DNA position 656, G replaced by C.
Protein change: p.Arg219Thr; replaces arginine 219 with threonine.
Molecular consequence: missense variant. On other transcripts: 5 prime UTR variant (1), non-coding transcript variant (1).
Genome position (GRCh38, 1-based): chr2:166,052,890, C>G on the plus strand (G>C on the coding strand, the complement: SCN1A is on the minus strand). VCF-style: chr2-166052890-C-G. GRCh37 (hg19) VCF-style: chr2-166909400-C-G.
Other names: p.R219T:AGA>ACA; NM_001165963.4(SCN1A):c.656G>C; p.Arg219Thr; c.656G>C, p.Arg219Thr (NM_001165964.3, NM_001202435.3, NM_001353948.2 and 10 more transcripts); c.-1770G>C (NM_001353961.2); short protein forms R219T.
Identifiers: ClinVar variation 206744 (VCV000206744.8), dbSNP rs796052960, ClinGen allele CA317144.
Genomic context (GRCh38, chr2:166,052,890, plus strand): 5'-CATTATCTAACCTTGCTCTCACCTGGAATGACTGAAATCGTCTTCAATGCTCGGAGAACT[C>G]TGAATGTTCTCAATGCCGAGACATTGCCCAGGTCCACAAACTCTGTGACGTACCTGTAAT-3'
Protein context (NP_001159435.1, residues 209-229): LGNVSALRTF[Arg219Thr]VLRALKTISV

ClinVar aggregate classification (germline): Likely pathogenic. Review status: reviewed by expert panel (3 of 4 stars). 3 submissions from 3 submitters: Likely pathogenic (1). 2 of the submissions do not count toward it. Last evaluated 2026-03-24.

Conditions:
Early-infantile DEE. Also called: Ohtahara syndrome; Early infantile epileptic encephalopathy; Early infantile epileptic encephalopathy with suppression bursts. Identifiers: Orphanet 1934, MedGen C0393706, MONDO:0800491.
Genetic developmental and epileptic encephalopathy. Identifiers: MedGen CN379639, MONDO:0100062.

Submissions (3):

ClinGen Epilepsy Sodium Channel Variant Curation Expert Panel, Clingen
Classification: Likely pathogenic for Genetic developmental and epileptic encephalopathy. Last evaluated: 2026-03-24. Review status: reviewed by expert panel. Criteria: ClinGen EpilepsySCN ACMG Specifications SCN1A V2.0.0. Collection method: curation. Allele origin: germline. Inheritance: Autosomal dominant inheritance.
Comment: The NM_001165963.4:c.656G>C variant in SCN1A is a missense variant predicted to cause substitution of arginine by threonine at amino acid 219 (p.Arg219Thr). This variant has been identified as a de novo occurrence with unconfirmed parental relationships in 1 individual with autosomal dominant developmental and epileptic encephalopathy (PM6_Supporting; PMID 38074073). This variant is absent from gnomAD v4.1.0 (PM2_Supporting). This variant resides within a region, amino acids 212-230, of SCN1A that is defined as a mutational hotspot and/or critical functional domain by the ClinGen Epilepsy Sodium Channel VCEP (PM1). The computational predictor REVEL gives a score of 0.969, which is above the threshold of ≥0.773, evidence that correlates with impact to SCN1A function (PP3_Moderate). In summary, this variant meets the criteria to be classified as likely pathogenic for autosomal dominant developmental and epileptic encephalopathy based on the ACMG/AMP criteria applied, as specified by the ClinGen Epilepsy Sodium Channel VCEP: PM1, PP3_Moderate, PM6_Supporting, PM2_Supporting. (VCEP Specifications Version 2.0.0; Approved 3/24/26).

Labcorp Genetics (formerly Invitae), Labcorp
Classification: Pathogenic for Early-infantile DEE. Last evaluated: 2025-02-24. Review status: criteria provided, single submitter. Criteria: Invitae Variant Classification Sherloc (09022015). Collection method: clinical testing. Allele origin: germline. Not counted in ClinVar's aggregate classification.
Comment: This sequence change replaces arginine, which is basic and polar, with threonine, which is neutral and polar, at codon 219 of the SCN1A protein (p.Arg219Thr). This variant is not present in population databases (gnomAD no frequency). This missense change has been observed in individual(s) with clinical features of Dravet syndrome (PMID: 29655203; internal data). ClinVar contains an entry for this variant (Variation ID: 206744). Invitae Evidence Modeling of protein sequence and biophysical properties (such as structural, functional, and spatial information, amino acid conservation, physicochemical variation, residue mobility, and thermodynamic stability) indicates that this missense variant is expected to disrupt SCN1A protein function with a positive predictive value of 95%. This variant disrupts the p.Arg219 amino acid residue in SCN1A. Other variant(s) that disrupt this residue have been determined to be pathogenic (PMID: 27236449; internal data). This suggests that this residue is clinically significant, and that variants that disrupt this residue are likely to be disease-causing. For these reasons, this variant has been classified as Pathogenic.

GeneDx
Classification: Likely pathogenic. Last evaluated: 2023-04-13. Review status: criteria provided, single submitter. Criteria: GeneDx Variant Classification Process June 2021. Collection method: clinical testing. Allele origin: germline. Affected: yes. Not counted in ClinVar's aggregate classification.
Comment: Not observed at significant frequency in large population cohorts (gnomAD); Missense variants in this gene are often considered pathogenic (HGMD); In silico analysis supports that this missense variant has a deleterious effect on protein structure/function; This variant is associated with the following publications: (PMID: 29655203)

Literature cited by the submitters: PubMed 29655203 (cited by Labcorp Genetics (formerly Invitae), Labcorp); PubMed 27236449 (cited by Labcorp Genetics (formerly Invitae), Labcorp).